The following is an entry in ClinVar:

ClinVar aggregate classification (germline): Uncertain significance. Review status: criteria provided, multiple submitters, no conflicts (2 of 4 stars). 2 submissions from 2 submitters: Uncertain significance (2). Last evaluated 2026-07-02.

Conditions:
Familial thoracic aortic aneurysm and aortic dissection (TAAD). Also called: Thoracic aortic aneurysms and dissections. Identifiers: Orphanet 91387, MedGen C4707243, MONDO:0019625.

Allele frequency attached by ClinVar (database versions not stated): gnomAD exomes below 0.00001.
gnomAD v4.1: 2 of 1,614,222 alleles (0.00012%); highest among the groups gnomAD compares: South Asian, 0.0011%; no homozygotes.

Submissions (2):

Ambry Genetics
Classification: Uncertain significance for Familial thoracic aortic aneurysm and aortic dissection. Last evaluated: 2026-07-02. Review status: criteria provided, single submitter. Criteria: Ambry Variant Classification Scheme 2023. Collection method: clinical testing. Allele origin: germline.
Comment: The p.L530F variant (also known as c.1588C>T), located in coding exon 7 of the TGFBR2 gene, results from a C to T substitution at nucleotide position 1588. The leucine at codon 530 is replaced by phenylalanine, an amino acid with highly similar properties. This amino acid position is conserved. In addition, this alteration is predicted to be tolerated by in silico analysis. Based on the available evidence, the clinical significance of this variant remains unclear.

Labcorp Genetics (formerly Invitae), Labcorp
Classification: Uncertain significance for Familial thoracic aortic aneurysm and aortic dissection. Last evaluated: 2026-01-27. Review status: criteria provided, single submitter. Criteria: Invitae Variant Classification Sherloc (09022015). Collection method: clinical testing. Allele origin: germline.
Comment: This sequence change replaces leucine, which is neutral and non-polar, with phenylalanine, which is neutral and non-polar, at codon 505 of the TGFBR2 protein (p.Leu505Phe). This variant is not present in population databases (gnomAD no frequency). This variant has not been reported in the literature in individuals affected with TGFBR2-related conditions. ClinVar contains an entry for this variant (Variation ID: 2911863). Invitae Evidence Modeling of protein sequence and biophysical properties (such as structural, functional, and spatial information, amino acid conservation, physicochemical variation, residue mobility, and thermodynamic stability) indicates that this missense variant is not expected to disrupt TGFBR2 protein function with a negative predictive value of 95%. In summary, the available evidence is currently insufficient to determine the role of this variant in disease. Therefore, it has been classified as a Variant of Uncertain Significance.

NM_003242.6(TGFBR2):c.1513C>T (p.Leu505Phe)

Gene: TGFBR2 (transforming growth factor beta receptor 2; plus strand). Cytogenetic location: 3p24.1.
Variant type: single nucleotide variant.
Coding change: c.1513C>T on transcript NM_003242.6 (MANE Select); coding-DNA position 1513, C replaced by T.
Protein change: p.Leu505Phe; replaces leucine 505 with phenylalanine.
Molecular consequence: missense variant.
Genome position (GRCh38, 1-based): chr3:30,688,500, C>T. VCF-style: chr3-30688500-C-T. GRCh37 (hg19) VCF-style: chr3-30729992-C-T.
Other names: c.1408C>T, p.Leu470Phe (NM_001407132.1, NM_001407133.1, NM_001407134.1 and 2 more transcripts); c.1228C>T, p.Leu410Phe (NM_001407137.1); c.1153C>T, p.Leu385Phe (NM_001407138.1); c.643C>T, p.Leu215Phe (NM_001407139.1); c.1588C>T, p.Leu530Phe (NM_001024847.3); c.1696C>T, p.Leu566Phe (NM_001407126.1); c.1621C>T, p.Leu541Phe (NM_001407127.1); c.1540C>T, p.Leu514Phe (NM_001407128.1); and 2 more; short protein forms L385F, L506F, L541F, L215F, L410F, L504F, L514F, L470F.
Identifiers: ClinVar variation 2911863 (VCV002911863.3), dbSNP rs2125452245, ClinGen allele CA351809442.